The following is an entry in ClinVar:

GRCh38/hg38 Xp22.31(chrX:7020870-7930853)x1

Genes: MIR4767 (microRNA 4767; plus strand), PNPLA4 (patatin like domain 4, phospholipase and triacylglycerol lipase; minus strand), PUDP (pseudouridine 5'-phosphatase; minus strand), STS (steroid sulfatase; plus strand), VCX (variable charge X-linked; plus strand) and 18 more. Cytogenetic location: Xp22.31.
Variant type: copy number loss.
Change: copy number 1 of chrX:7,020,870-7,930,853 (910.0 kb, GRCh38 coordinates, 1-based), cytogenetic band Xp22.31.
Identifiers: ClinVar variation 155168 (VCV000155168.3).

ClinVar aggregate classification (germline): no classifications from unflagged records (0 of 4 stars; one submission).

Submission:

ISCA site 1
Classification: Likely benign. Last evaluated: 2018-02-12. Review status: flagged submission. Collection method: clinical testing. Allele origin: unknown. Affected: yes. Observed: 1 variant allele.
Comment: Copy number variation identified through the course of routine clinical cytogenomic testing in postnatal populations, with clinical assertions as classified by the original submitter. For data from the original published study, Kaminsky, et al. 2011 (PubMed 21844811), please see nstd101.
ClinVar note: Notes: This submission was flagged because its interpretation of this variant conflicts with the ClinGen Gene Dosage Map curation for the gene STS.
ClinVar note: Reason: Conflict with ClinGen Gene Dosage Map